The following is an entry in ClinVar:

ClinVar aggregate classification (germline): Uncertain significance (1 of 4 stars; one submission).

Conditions:
Cardiovascular phenotype. Identifiers: MedGen CN230736.

Allele frequency attached by ClinVar (database versions not stated): gnomAD exomes below 0.00001; gnomAD 0.00001; TOPMed 0.00001; ESP Exome Variant Server 0.00008.
gnomAD v4.1: 5 of 1,605,790 alleles (0.00031%); highest among the groups gnomAD compares: Non-Finnish European, 0.00043%; no homozygotes.

Submission:

Ambry Genetics
Classification: Uncertain significance for Cardiovascular phenotype. Last evaluated: 2025-03-13. Review status: criteria provided, single submitter. Criteria: Ambry Variant Classification Scheme 2023. Collection method: clinical testing. Allele origin: germline.
Comment: The p.V1307I variant (also known as c.3919G>A), located in coding exon 9 of the TNXB gene, results from a G to A substitution at nucleotide position 3919. The valine at codon 1307 is replaced by isoleucine, an amino acid with highly similar properties. This amino acid position is conserved. In addition, this alteration is predicted to be tolerated by in silico analysis. Since supporting evidence is limited at this time, the clinical significance of this alteration remains unclear.

NM_001365276.2(TNXB):c.3919G>A (p.Val1307Ile)

Gene: TNXB (tenascin XB; minus strand). Cytogenetic location: 6p21.33.
Variant type: single nucleotide variant.
Coding change: c.3919G>A on transcript NM_001365276.2 (MANE Select); coding-DNA position 3919, G replaced by A.
Protein change: p.Val1307Ile; replaces valine 1307 with isoleucine.
Molecular consequence: missense variant.
Genome position (GRCh38, 1-based): chr6:32,081,491, C>T on the plus strand (G>A on the coding strand, the complement: TNXB is on the minus strand). VCF-style: chr6-32081491-C-T. GRCh37 (hg19) VCF-style: chr6-32049268-C-T.
Other names: c.3919G>A, p.Val1307Ile (NM_019105.8); short protein forms V1307I.
Identifiers: ClinVar variation 1736168 (VCV001736168.3), dbSNP rs370444721, ClinGen allele CA136896318.